The following is an entry in ClinVar:

ClinVar aggregate classification (germline): Uncertain significance. Review status: criteria provided, multiple submitters, no conflicts (2 of 4 stars). 2 submissions from 2 submitters: Uncertain significance (2). Last evaluated 2025-06-09.

Conditions:
Familial encephalopathy with neuroserpin inclusion bodies. Also called: ENCEPHALOPATHY, FAMILIAL, WITH COLLINS BODIES. Identifiers: Orphanet 85110, MedGen C1858680, MONDO:0011412, OMIM 604218.

Allele frequency attached by ClinVar (database versions not stated): gnomAD 0.00001; TOPMed 0.00001; ExAC 0.00002; gnomAD exomes 0.00002.
gnomAD v4.1: 33 of 1,613,932 alleles (0.002%); highest among the groups gnomAD compares: South Asian, 0.0088%; no homozygotes.

Submissions (2):

Labcorp Genetics (formerly Invitae), Labcorp
Classification: Uncertain significance for Familial encephalopathy with neuroserpin inclusion bodies. Last evaluated: 2025-06-09. Review status: criteria provided, single submitter. Criteria: Invitae Variant Classification Sherloc (09022015). Collection method: clinical testing. Allele origin: germline.
Comment: This sequence change replaces glutamic acid, which is acidic and polar, with valine, which is neutral and non-polar, at codon 101 of the SERPINI1 protein (p.Glu101Val). This variant is present in population databases (rs749315755, gnomAD 0.01%). This variant has not been reported in the literature in individuals affected with SERPINI1-related conditions. ClinVar contains an entry for this variant (Variation ID: 1006954). Invitae Evidence Modeling of protein sequence and biophysical properties (such as structural, functional, and spatial information, amino acid conservation, physicochemical variation, residue mobility, and thermodynamic stability) indicates that this missense variant is not expected to disrupt SERPINI1 protein function with a negative predictive value of 80%. In summary, the available evidence is currently insufficient to determine the role of this variant in disease. Therefore, it has been classified as a Variant of Uncertain Significance.

Fulgent Genetics
Classification: Uncertain significance for Familial encephalopathy with neuroserpin inclusion bodies. Last evaluated: 2022-01-10. Review status: criteria provided, single submitter. Criteria: ACMG Guidelines, 2015. Collection method: clinical testing. Allele origin: unknown.

NM_001122752.2(SERPINI1):c.302A>T (p.Glu101Val)

Gene: SERPINI1 (serpin family I member 1; plus strand). Cytogenetic location: 3q26.1.
Variant type: single nucleotide variant.
Coding change: c.302A>T on transcript NM_001122752.2 (MANE Select); coding-DNA position 302, A replaced by T.
Protein change: p.Glu101Val; replaces glutamic acid 101 with valine.
Molecular consequence: missense variant.
Genome position (GRCh38, 1-based): chr3:167,790,423, A>T. VCF-style: chr3-167790423-A-T. GRCh37 (hg19) VCF-style: chr3-167508211-A-T.
Other names: c.302A>T, p.Glu101Val (NM_005025.5); short protein forms E101V.
Identifiers: ClinVar variation 1006954 (VCV001006954.7), dbSNP rs749315755, ClinGen allele CA2694775.